The following is an entry in ClinVar:

ClinVar aggregate classification (germline): Uncertain significance. Review status: criteria provided, multiple submitters, no conflicts (2 of 4 stars). 2 submissions from 2 submitters: Uncertain significance (2). Last evaluated 2024-12-22.

Conditions:
Pulmonary fibrosis and/or bone marrow failure, Telomere-related, 3. Also called: PULMONARY FIBROSIS AND/OR BONE MARROW FAILURE SYNDROME, TELOMERE-RELATED, 3. Identifiers: Orphanet 2032, MedGen C4225346, MONDO:0014613, OMIM 616373.
Dyskeratosis congenita, autosomal recessive 5 (DKCB5). Identifiers: MedGen C3554656, MONDO:0014076, OMIM 615190.
Inborn genetic diseases. Identifiers: MedGen C0950123, MeSH D030342.

Allele frequency attached by ClinVar (database versions not stated): gnomAD exomes below 0.00001.
gnomAD v4.1: 1 of 1,613,898 alleles (0.000062%); highest among the groups gnomAD compares: Non-Finnish European, 0.000085%; no homozygotes.

Submissions (2):

Ambry Genetics
Classification: Uncertain significance for Inborn genetic diseases. Last evaluated: 2024-12-22. Review status: criteria provided, single submitter. Criteria: Ambry Variant Classification Scheme 2023. Collection method: clinical testing. Allele origin: germline.
Comment: The p.R205G variant (also known as c.613A>G), located in coding exon 6 of the RTEL1 gene, results from an A to G substitution at nucleotide position 613. The arginine at codon 205 is replaced by glycine, an amino acid with dissimilar properties. This amino acid position is conserved. In addition, this alteration is predicted to be tolerated by in silico analysis. Based on the available evidence, the clinical significance of this variant remains unclear.

Labcorp Genetics (formerly Invitae), Labcorp
Classification: Uncertain significance for Dyskeratosis congenita, autosomal recessive 5; Pulmonary fibrosis and/or bone marrow failure, Telomere-related, 3. Last evaluated: 2023-12-14. Review status: criteria provided, single submitter. Criteria: Invitae Variant Classification Sherloc (09022015). Collection method: clinical testing. Allele origin: germline.
Comment: This sequence change replaces arginine, which is basic and polar, with glycine, which is neutral and non-polar, at codon 205 of the RTEL1 protein (p.Arg205Gly). This variant is not present in population databases (gnomAD no frequency). This variant has not been reported in the literature in individuals affected with RTEL1-related conditions. Algorithms developed to predict the effect of missense changes on protein structure and function are either unavailable or do not agree on the potential impact of this missense change (SIFT: "Not Available"; PolyPhen-2: "Benign"; Align-GVGD: "Not Available"). In summary, the available evidence is currently insufficient to determine the role of this variant in disease. Therefore, it has been classified as a Variant of Uncertain Significance.

NM_001283009.2(RTEL1):c.613A>G (p.Arg205Gly)

Genes: RTEL1 (regulator of telomere elongation helicase 1; plus strand), RTEL1-TNFRSF6B (RTEL1-TNFRSF6B readthrough (NMD candidate); plus strand). Cytogenetic location: 20q13.33.
Variant type: single nucleotide variant.
Coding change: c.613A>G on transcript NM_001283009.2 (MANE Select); coding-DNA position 613, A replaced by G.
Protein change: p.Arg205Gly; replaces arginine 205 with glycine.
Molecular consequence: missense variant. On other transcripts: non-coding transcript variant (1), 5 prime UTR variant (1).
Genome position (GRCh38, 1-based): chr20:63,666,078, A>G. VCF-style: chr20-63666078-A-G. GRCh37 (hg19) VCF-style: chr20-62297431-A-G.
Other names: c.-57A>G (NM_001283010.1); c.613A>G, p.Arg205Gly (NM_016434.4); c.685A>G, p.Arg229Gly (NM_032957.5); short protein forms R205G, R229G.
Identifiers: ClinVar variation 2926529 (VCV002926529.2), dbSNP rs2090120546, ClinGen allele CA409670597.